The following is an entry in ClinVar:

NM_007294.4(BRCA1):c.1571C>G (p.Ala524Gly)

Gene: BRCA1 (BRCA1 DNA repair associated; minus strand). Cytogenetic location: 17q21.31.
Variant type: single nucleotide variant.
Coding change: c.1571C>G on transcript NM_007294.4 (MANE Select); coding-DNA position 1571, C replaced by G.
Protein change: p.Ala524Gly; replaces alanine 524 with glycine.
Molecular consequence: missense variant. On other transcripts: intron variant (137).
Genome position (GRCh38, 1-based): chr17:43,093,960, G>C on the plus strand (C>G on the coding strand, the complement: BRCA1 is on the minus strand). VCF-style: chr17-43093960-G-C. GRCh37 (hg19) VCF-style: chr17-41245977-G-C.
Other names: c.1445C>G, p.Ala482Gly (NM_001407689.1, NM_001407690.1, NM_001407691.1 and 11 more transcripts); c.1571C>G, p.Ala524Gly (NM_001407640.1, NM_001407641.1, NM_001407642.1 and 30 more transcripts); c.1430C>G, p.Ala477Gly (NM_001407692.1, NM_001407694.1, NM_001407695.1 and 29 more transcripts); c.1568C>G, p.Ala523Gly (NM_001407645.1, NM_001407644.1, NM_001407860.1 and 22 more transcripts); c.1448C>G, p.Ala483Gly (NM_001407669.1, NM_001407674.1, NM_001407675.1 and 19 more transcripts); c.1427C>G, p.Ala476Gly (NM_001407740.1, NM_001407741.1, NM_001407742.1 and 20 more transcripts); c.1358C>G, p.Ala453Gly (NM_001407853.1, NM_001407894.1, NM_001407895.1 and 9 more transcripts); c.1370C>G, p.Ala457Gly (NM_001407862.1); and 40 more; short protein forms A228G, A356G, A396G, A397G, A412G, A413G, A435G, A436G.
Identifiers: ClinVar variation 3226106 (VCV003226106.2), dbSNP rs80357333, ClinGen allele CA10598902.

ClinVar aggregate classification (germline): Conflicting classifications of pathogenicity. Review status: criteria provided, conflicting classifications (1 of 4 stars). 2 submissions from 2 submitters: Uncertain significance (1); Likely benign (1). Last evaluated 2025-07-02.

Conditions:
Hereditary cancer-predisposing syndrome. Also called: Neoplastic Syndromes, Hereditary; Tumor predisposition; Hereditary neoplastic syndrome; Hereditary Cancer Syndrome. Identifiers: Orphanet 140162, MedGen C0027672, MeSH D009386, MONDO:0015356.

Submissions (2):

ARUP Laboratories, Molecular Genetics and Genomics, ARUP Laboratories
Classification: Likely benign. Last evaluated: 2025-07-02. Review status: criteria provided, single submitter. Criteria: ARUP Molecular Germline Variant Investigation Process 2024. Collection method: clinical testing. Allele origin: germline.

Ambry Genetics
Classification: Uncertain significance for Hereditary cancer-predisposing syndrome. Last evaluated: 2023-11-22. Review status: criteria provided, single submitter. Criteria: Ambry Variant Classification Scheme 2023. Collection method: clinical testing. Allele origin: germline.
Comment: The p.A524G variant (also known as c.1571C>G), located in coding exon 9 of the BRCA1 gene, results from a C to G substitution at nucleotide position 1571. The alanine at codon 524 is replaced by glycine, an amino acid with similar properties. This amino acid position is not well conserved in available vertebrate species. In addition, the in silico prediction for this alteration is inconclusive. Since supporting evidence is limited at this time, the clinical significance of this alteration remains unclear.